The following is an entry in ClinVar:

NM_000020.3(ACVRL1):c.1139T>G (p.Val380Gly)

Gene: ACVRL1 (activin A receptor like type 1; plus strand). Cytogenetic location: 12q13.13.
Variant type: single nucleotide variant.
Coding change: c.1139T>G on transcript NM_000020.3 (MANE Select); coding-DNA position 1139, T replaced by G.
Protein change: p.Val380Gly; replaces valine 380 with glycine.
Molecular consequence: missense variant. On other transcripts: intron variant (1).
Genome position (GRCh38, 1-based): chr12:51,916,126, T>G. VCF-style: chr12-51916126-T-G. GRCh37 (hg19) VCF-style: chr12-52309910-T-G.
Other names: c.1139T>G, p.Val380Gly (NM_001077401.2, NM_001406487.1, NM_001406488.1 and 1 more transcripts); c.827T>G, p.Val276Gly (NM_001406490.1, NM_001406491.1, NM_001406492.1 and 1 more transcripts); c.575T>G, p.Val192Gly (NM_001406495.1); c.736+626T>G (NM_001406494.1); short protein forms V192G, V276G, V380G.
Identifiers: ClinVar variation 3721155 (VCV003721155.2).

ClinVar aggregate classification (germline): Pathogenic (1 of 4 stars; one submission).

Conditions:
Telangiectasia, hereditary hemorrhagic, type 2 (HHT2). Also called: Telangiectasia, hereditary hemorrhagic, type II; ACVRL1-Related Hereditary Hemorrhagic Telangiectasia. Identifiers: Orphanet 774, MedGen C1838163, MONDO:0010880, OMIM 600376. Disease mechanism: loss of function.

Submission:

Labcorp Genetics (formerly Invitae), Labcorp
Classification: Pathogenic for Telangiectasia, hereditary hemorrhagic, type 2. Last evaluated: 2024-08-31. Review status: criteria provided, single submitter. Criteria: Invitae Variant Classification Sherloc (09022015). Collection method: clinical testing. Allele origin: germline.
Comment: This sequence change replaces valine, which is neutral and non-polar, with glycine, which is neutral and non-polar, at codon 380 of the ACVRL1 protein (p.Val380Gly). This variant is not present in population databases (gnomAD no frequency). This missense change has been observed in individuals with hereditary hemorrhagic telangiectasia (PMID: 15517393, 16540754; internal data). Invitae Evidence Modeling of protein sequence and biophysical properties (such as structural, functional, and spatial information, amino acid conservation, physicochemical variation, residue mobility, and thermodynamic stability) indicates that this missense variant is expected to disrupt ACVRL1 protein function with a positive predictive value of 95%. For these reasons, this variant has been classified as Pathogenic.

Literature cited by the submitters: PubMed 15517393; PubMed 16540754.